The following is an entry in ClinVar:

ClinVar aggregate classification (germline): Uncertain significance (1 of 4 stars; one submission).

Conditions:
Noonan syndrome 8 (NS8). Identifiers: Orphanet 648, MedGen C3809233, MONDO:0014143, OMIM 615355.

Allele frequency attached by ClinVar (database versions not stated): gnomAD exomes below 0.00001.

Submission:

Labcorp Genetics (formerly Invitae), Labcorp
Classification: Uncertain significance for Noonan syndrome 8. Last evaluated: 2024-01-05. Review status: criteria provided, single submitter. Criteria: Invitae Variant Classification Sherloc (09022015). Collection method: clinical testing. Allele origin: germline.
Comment: This sequence change results in a frameshift in the RIT1 gene (p.Ser202Cysfs*38). While this is not anticipated to result in nonsense mediated decay, it is expected to disrupt the last 18 amino acid(s) of the RIT1 protein and extend the protein by 19 additional amino acid residues. This variant is not present in population databases (gnomAD no frequency). This variant has not been reported in the literature in individuals affected with RIT1-related conditions. In summary, the available evidence is currently insufficient to determine the role of this variant in disease. Therefore, it has been classified as a Variant of Uncertain Significance.

NM_006912.6(RIT1):c.604_605del (p.Ser202fs)

Gene: RIT1 (Ras like without CAAX 1; minus strand). Cytogenetic location: 1q22.
Variant type: Deletion.
Coding change: c.604_605del on transcript NM_006912.6 (MANE Select); coding-DNA positions 604 to 605, 2 bases deleted (AG; older notation c.604_605delAG).
Protein change: p.Ser202fs; shifts the reading frame from serine 202.
Molecular consequence: frameshift variant.
Genome position (GRCh38, 1-based): chr1:155,900,443-155,900,444, CT deleted on the plus strand (AG on the coding strand, the reverse complement: RIT1 is on the minus strand). VCF-style (leftmost placement, unchanged base first): chr1-155900442-ACT-A. GRCh37 (hg19) VCF-style: chr1-155870233-ACT-A.
Other names: c.496_497del, p.Ser166fs (NM_001256820.2); c.655_656del, p.Ser219fs (NM_001256821.2); short protein forms S219fs, S166fs, S202fs.
Identifiers: ClinVar variation 2707741 (VCV002707741.3), dbSNP rs2527171140, ClinGen allele CA2580610815.